The following is an entry in ClinVar:

ClinVar aggregate classification (germline): Uncertain significance (1 of 4 stars; one submission).

Conditions:
Cardiovascular phenotype. Identifiers: MedGen CN230736.

Submission:

Ambry Genetics
Classification: Uncertain significance for Cardiovascular phenotype. Last evaluated: 2025-02-22. Review status: criteria provided, single submitter. Criteria: Ambry Variant Classification Scheme 2023. Collection method: clinical testing. Allele origin: germline.
Comment: The p.D3038E variant (also known as c.9114C>G), located in coding exon 2 of the ZNF469 gene, results from a C to G substitution at nucleotide position 9114. The aspartic acid at codon 3038 is replaced by glutamic acid, an amino acid with highly similar properties. This amino acid position is conserved. In addition, this alteration is predicted to be tolerated by in silico analysis. Based on the available evidence, the clinical significance of this variant remains unclear.

NM_001367624.2(ZNF469):c.9198C>G (p.Asp3066Glu)

Gene: ZNF469 (zinc finger protein 469; plus strand). Cytogenetic location: 16q24.2.
Variant type: single nucleotide variant.
Coding change: c.9198C>G on transcript NM_001367624.2 (MANE Select); coding-DNA position 9198, C replaced by G.
Protein change: p.Asp3066Glu; replaces aspartic acid 3066 with glutamic acid.
Molecular consequence: missense variant.
Genome position (GRCh38, 1-based): chr16:88,436,668, C>G. VCF-style: chr16-88436668-C-G. GRCh37 (hg19) VCF-style: chr16-88503076-C-G.
Other names: NM_001127464.1:c.9114C>G; short protein forms D3066E.
Identifiers: ClinVar variation 3821155 (VCV003821155.1).